The following is an entry in ClinVar:

NM_004168.4(SDHA):c.504T>G (p.Ile168Met)

Gene: SDHA (succinate dehydrogenase complex flavoprotein subunit A; plus strand). Cytogenetic location: 5p15.33.
Variant type: single nucleotide variant.
Coding change: c.504T>G on transcript NM_004168.4 (MANE Select); coding-DNA position 504, T replaced by G.
Protein change: p.Ile168Met; replaces isoleucine 168 with methionine.
Molecular consequence: missense variant.
Genome position (GRCh38, 1-based): chr5:225,930, T>G. VCF-style: chr5-225930-T-G. GRCh37 (hg19) VCF-style: chr5-226045-T-G.
Other names: c.360T>G, p.Ile120Met (NM_001294332.2); c.504T>G, p.Ile168Met (NM_001330758.2); short protein forms I120M, I168M.
Identifiers: ClinVar variation 825403 (VCV000825403.6), dbSNP rs1579385616, ClinGen allele CA359010066.
Genomic context (GRCh38, chr5:225,930, plus strand): 5'-TTATCTTTCACAGCTAGAAAATTATGGCATGCCGTTTAGCAGAACTGAAGATGGGAAGAT[T>G]TATCAGCGTGCATTTGGTGGACAGAGCCTCAAGTTTGGAAAGGGCGGGCAGGCCCATCGG-3'
Protein context (NP_004159.2, residues 158-178): MPFSRTEDGK[Ile168Met]YQRAFGGQSL

ClinVar aggregate classification (germline): Uncertain significance. Review status: criteria provided, multiple submitters, no conflicts (2 of 4 stars). 2 submissions from 2 submitters: Uncertain significance (2). Last evaluated 2025-09-15.

Conditions:
Pheochromocytoma/paraganglioma syndrome 5. Also called: Paragangliomas 5; SDHA-Related Hereditary Paraganglioma-Pheochromocytoma Syndrome. Identifiers: Orphanet 29072, MedGen C3279992, MONDO:0013602, OMIM 614165.
Mitochondrial complex II deficiency, nuclear type 1. Also called: SUCCINATE CoQ REDUCTASE DEFICIENCY. Identifiers: Orphanet 3208, MedGen C5700310, MONDO:0100294, OMIM 252011.
Hereditary cancer-predisposing syndrome. Also called: Tumor predisposition; Hereditary neoplastic syndrome; Neoplastic Syndromes, Hereditary; Hereditary Cancer Syndrome. Identifiers: Orphanet 140162, MedGen C0027672, MeSH D009386, MONDO:0015356.

Submissions (2):

Labcorp Genetics (formerly Invitae), Labcorp
Classification: Uncertain significance for Pheochromocytoma/paraganglioma syndrome 5; Mitochondrial complex II deficiency, nuclear type 1. Last evaluated: 2025-09-15. Review status: criteria provided, single submitter. Criteria: Invitae Variant Classification Sherloc (09022015). Collection method: clinical testing. Allele origin: germline.
Comment: This sequence change replaces isoleucine, which is neutral and non-polar, with methionine, which is neutral and non-polar, at codon 168 of the SDHA protein (p.Ile168Met). This variant is not present in population databases (gnomAD no frequency). This variant has not been reported in the literature in individuals affected with SDHA-related conditions. ClinVar contains an entry for this variant (Variation ID: 825403). Invitae Evidence Modeling of protein sequence and biophysical properties (such as structural, functional, and spatial information, amino acid conservation, physicochemical variation, residue mobility, and thermodynamic stability) has been performed for this missense variant. However, the output from this modeling did not meet the statistical confidence thresholds required to predict the impact of this variant on SDHA protein function. In summary, the available evidence is currently insufficient to determine the role of this variant in disease. Therefore, it has been classified as a Variant of Uncertain Significance.

Ambry Genetics
Classification: Uncertain significance for Hereditary cancer-predisposing syndrome. Last evaluated: 2024-10-27. Review status: criteria provided, single submitter. Criteria: Ambry Variant Classification Scheme 2023. Collection method: clinical testing. Allele origin: germline.
Comment: The p.I168M variant (also known as c.504T>G), located in coding exon 5 of the SDHA gene, results from a T to G substitution at nucleotide position 504. The isoleucine at codon 168 is replaced by methionine, an amino acid with highly similar properties. This amino acid position is highly conserved in available vertebrate species. In addition, this alteration is predicted to be deleterious by in silico analysis. Since supporting evidence is limited at this time, the clinical significance of this alteration remains unclear.